The following is an entry in ClinVar:

NM_001220.5(CAMK2B):c.947-2A>G

Gene: CAMK2B (calcium/calmodulin dependent protein kinase II beta; minus strand). Cytogenetic location: 7p13.
Variant type: single nucleotide variant.
Coding change: c.947-2A>G on transcript NM_001220.5 (MANE Select); the canonical splice acceptor site of the intron before coding-DNA position 947, A replaced by G.
Molecular consequence: splice acceptor variant. On other transcripts: intron variant (5).
Genome position (GRCh38, 1-based): chr7:44,239,665, T>C on the plus strand (A>G on the coding strand, the complement: CAMK2B is on the minus strand). VCF-style: chr7-44239665-T-C. GRCh37 (hg19) VCF-style: chr7-44279264-T-C.
Other names: c.946+1042A>G (NM_172084.3, NM_172080.3, NM_172083.3 and 2 more transcripts); c.947-2A>G (NM_172082.3, NM_001293170.2, NM_172078.3).
Identifiers: ClinVar variation 3253351 (VCV003253351.3), dbSNP rs2485934160.
Genomic context (GRCh38, chr7:44,239,665, plus strand): 5'-CATGGTGGTGCCGGAGGCCGCGGTGGACATTGTGGCCGGAGCGGTGGTCTGTCTGCCCAC[T>C]GTTAGCACCGGGTTAGAGACGAGGGGAAGGGAGGGGTGGGCGGACACAGACGAGGGGTGG-3'

ClinVar aggregate classification (germline): Uncertain significance. Review status: criteria provided, multiple submitters, no conflicts (2 of 4 stars). 2 submissions from 2 submitters: Uncertain significance (2). Last evaluated 2026-09-06.

Submissions (2):

GeneDx
Classification: Uncertain significance. Last evaluated: 2026-09-06. Review status: criteria provided, single submitter. Criteria: GeneDx Variant Classification Process June 2021. Collection method: clinical testing. Allele origin: germline.
Comment: Not observed at significant frequency in large population cohorts (gnomAD); Canonical splice site variant with an unclear effect on protein function; Has not been previously published as pathogenic or benign to our knowledge

Labcorp Genetics (formerly Invitae), Labcorp
Classification: Uncertain significance. Last evaluated: 2026-01-28. Review status: criteria provided, single submitter. Criteria: Invitae Variant Classification Sherloc (09022015). Collection method: clinical testing. Allele origin: germline.
Comment: This sequence change affects an acceptor splice site in intron 12 of the CAMK2B gene. It is expected to disrupt RNA splicing. Variants that disrupt the donor or acceptor splice site typically lead to a loss of protein function (PMID: 16199547), however the current clinical and genetic evidence is not sufficient to establish whether loss-of-function variants in CAMK2B cause disease. This variant is not present in population databases (gnomAD no frequency). This variant has not been reported in the literature in individuals affected with CAMK2B-related conditions. ClinVar contains an entry for this variant (Variation ID: 3253351). Algorithms developed to predict the effect of sequence changes on RNA splicing suggest that this variant may disrupt the consensus splice site. In summary, the available evidence is currently insufficient to determine the role of this variant in disease. Therefore, it has been classified as a Variant of Uncertain Significance.

Literature cited by the submitters: PubMed 16199547 (cited by Labcorp Genetics (formerly Invitae), Labcorp).